The following is an entry in ClinVar:

ClinVar aggregate classification (germline): Benign. Review status: criteria provided, multiple submitters, no conflicts (2 of 4 stars). 2 submissions from 2 submitters: Benign (2). Last evaluated 2018-06-14.

Allele frequency attached by ClinVar (database versions not stated): 1000 Genomes Project 30x 0.89413; TOPMed 0.89761; 1000 Genomes Project 0.89916; gnomAD 0.90450 and 0.91097; gnomAD exomes 0.98911.
gnomAD v4.1: 705,905 of 725,970 alleles (97%); highest among the groups gnomAD compares: East Asian, 100%; 345,714 homozygotes.

Submissions (2):

GeneDx
Classification: Benign. Last evaluated: 2018-06-14. Review status: criteria provided, single submitter. Criteria: GeneDx Variant Classification (06012015). Collection method: clinical testing. Allele origin: germline. Affected: yes.
Comment: This variant is considered likely benign or benign based on one or more of the following criteria: it is a conservative change, it occurs at a poorly conserved position in the protein, it is predicted to be benign by multiple in silico algorithms, and/or has population frequency not consistent with disease.

Breakthrough Genomics
Classification: Benign. Review status: criteria provided, single submitter. Criteria: ACMG Guidelines, 2015. Collection method: not provided. Allele origin: germline. Inheritance: Autosomal recessive inheritance. Affected: yes.

NM_182916.3(TRNT1):c.148+151A>G

Gene: TRNT1 (tRNA nucleotidyl transferase 1; plus strand). Cytogenetic location: 3p26.2.
Variant type: single nucleotide variant.
Coding change: c.148+151A>G on transcript NM_182916.3 (MANE Select); 151 bases into the intron after coding-DNA position 148, A replaced by G.
Molecular consequence: intron variant.
Genome position (GRCh38, 1-based): chr3:3,129,339, A>G. VCF-style: chr3-3129339-A-G. GRCh37 (hg19) VCF-style: chr3-3171023-A-G.
Other names: c.148+151A>G (NM_001367321.1, NM_001367323.1, NM_001367322.1 and 1 more transcripts).
Identifiers: ClinVar variation 684282 (VCV000684282.2), dbSNP rs334771, ClinGen allele CA68723274.